The following is an entry in ClinVar:

ClinVar aggregate classification (germline): Uncertain significance. Review status: criteria provided, multiple submitters, no conflicts (2 of 4 stars). 3 submissions from 3 submitters: Uncertain significance (3). Last evaluated 2024-08-22.

Conditions:
Breast-ovarian cancer, familial, susceptibility to, 4. Identifiers: Orphanet 145, MedGen C3280345, MONDO:0013669, OMIM 614291.
Hereditary cancer-predisposing syndrome. Also called: Neoplastic Syndromes, Hereditary; Hereditary Cancer Syndrome; Hereditary neoplastic syndrome; Tumor predisposition. Identifiers: Orphanet 140162, MedGen C0027672, MeSH D009386, MONDO:0015356.

gnomAD v4.1: 4 of 1,611,706 alleles (0.00025%); highest among the groups gnomAD compares: South Asian, 0.0022%; no homozygotes.

Submissions (3):

Labcorp Genetics (formerly Invitae), Labcorp
Classification: Uncertain significance for Breast-ovarian cancer, familial, susceptibility to, 4. Last evaluated: 2024-08-22. Review status: criteria provided, single submitter. Criteria: Invitae Variant Classification Sherloc (09022015). Collection method: clinical testing. Allele origin: germline.
Comment: This sequence change replaces arginine, which is basic and polar, with proline, which is neutral and non-polar, at codon 232 of the RAD51D protein (p.Arg232Pro). This variant is not present in population databases (gnomAD no frequency). This variant has not been reported in the literature in individuals affected with RAD51D-related conditions. ClinVar contains an entry for this variant (Variation ID: 581983). Invitae Evidence Modeling of protein sequence and biophysical properties (such as structural, functional, and spatial information, amino acid conservation, physicochemical variation, residue mobility, and thermodynamic stability) has been performed for this missense variant. However, the output from this modeling did not meet the statistical confidence thresholds required to predict the impact of this variant on RAD51D protein function. In summary, the available evidence is currently insufficient to determine the role of this variant in disease. Therefore, it has been classified as a Variant of Uncertain Significance.

GeneDx
Classification: Uncertain significance. Last evaluated: 2023-02-08. Review status: criteria provided, single submitter. Criteria: GeneDx Variant Classification Process June 2021. Collection method: clinical testing. Allele origin: germline.
Comment: Not observed at significant frequency in large population cohorts (gnomAD); In silico analysis supports that this missense variant has a deleterious effect on protein structure/function; Has not been previously published as pathogenic or benign to our knowledge; This variant is associated with the following publications: (PMID: 14704354, 21111057)

Ambry Genetics
Classification: Uncertain significance for Hereditary cancer-predisposing syndrome. Last evaluated: 2023-01-04. Review status: criteria provided, single submitter. Criteria: Ambry Variant Classification Scheme 2023. Collection method: clinical testing. Allele origin: germline.
Comment: The p.R232P variant (also known as c.695G>C), located in coding exon 8 of the RAD51D gene, results from a G to C substitution at nucleotide position 695. The arginine at codon 232 is replaced by proline, an amino acid with dissimilar properties. This amino acid position is not well conserved in available vertebrate species. In addition, this alteration is predicted to be deleterious by in silico analysis. Since supporting evidence is limited at this time, the clinical significance of this alteration remains unclear.

NM_002878.4(RAD51D):c.695G>C (p.Arg232Pro)

Genes: RAD51D (RAD51 paralog D; minus strand), RAD51L3-RFFL (RAD51L3-RFFL readthrough; minus strand). Cytogenetic location: 17q12.
Variant type: single nucleotide variant.
Coding change: c.695G>C on transcript NM_002878.4 (MANE Select); coding-DNA position 695, G replaced by C.
Protein change: p.Arg232Pro; replaces arginine 232 with proline.
Molecular consequence: missense variant. On other transcripts: non-coding transcript variant (3).
Genome position (GRCh38, 1-based): chr17:35,103,297, C>G on the plus strand (G>C on the coding strand, the complement: RAD51D is on the minus strand). VCF-style: chr17-35103297-C-G. GRCh37 (hg19) VCF-style: chr17-33430316-C-G.
Other names: c.755G>C, p.Arg252Pro (NM_001142571.2); c.359G>C, p.Arg120Pro (NM_133629.3); short protein forms R232P, R252P, R120P.
Identifiers: ClinVar variation 581983 (VCV000581983.15), dbSNP rs28363283, ClinGen allele CA399087663.